The following is an entry in ClinVar:

ClinVar aggregate classification (germline): Likely benign (1 of 4 stars; one submission).

Submission:

CeGaT Center for Human Genetics Tuebingen
Classification: Likely benign. Last evaluated: 2023-03-01. Review status: criteria provided, single submitter. Criteria: CeGaT Center For Human Genetics Tuebingen Variant Classification Criteria Version 2. Collection method: clinical testing. Allele origin: germline. Affected: yes. Observed: 5 variant alleles.
Comment: MAGEC1: BS2

NM_005462.5(MAGEC1):c.631_840del (p.Leu211_Leu280del)

Gene: MAGEC1 (MAGE family member C1; plus strand). Cytogenetic location: Xq27.2.
Variant type: Deletion.
Coding change: c.631_840del on transcript NM_005462.5 (MANE Select); coding-DNA positions 631 to 840, 210 bases deleted.
Protein change: p.Leu211_Leu280del.
Molecular consequence: inframe deletion.
Genome position (GRCh38, 1-based): chrX:141,906,035-141,906,244, 210 bases deleted. GRCh37 (hg19): chrX:140,993,821-140,994,030.
Identifiers: ClinVar variation 2661554 (VCV002661554.24), dbSNP rs1569477350, ClinGen allele CA10533178.